The following is an entry in ClinVar:

NM_001244008.2(KIF1A):c.3502A>C (p.Ile1168Leu)

Gene: KIF1A (kinesin family member 1A; minus strand). Cytogenetic location: 2q37.3.
Variant type: single nucleotide variant.
Coding change: c.3502A>C on transcript NM_001244008.2 (MANE Select); coding-DNA position 3502, A replaced by C.
Protein change: p.Ile1168Leu; replaces isoleucine 1168 with leucine.
Molecular consequence: missense variant.
Genome position (GRCh38, 1-based): chr2:240,744,024, T>G on the plus strand (A>C on the coding strand, the complement: KIF1A is on the minus strand). VCF-style: chr2-240744024-T-G. GRCh37 (hg19) VCF-style: chr2-241683441-T-G.
Other names: c.3226A>C, p.Ile1076Leu (NM_001320705.2, NM_001330289.2, NM_001379638.1); c.3301A>C, p.Ile1101Leu (NM_001330290.2, NM_001379634.1, NM_001379635.1 and 1 more transcripts); c.3577A>C, p.Ile1193Leu (NM_001379631.1); c.3451A>C, p.Ile1151Leu (NM_001379632.1); c.3475A>C, p.Ile1159Leu (NM_001379633.1, NM_001379642.1, NM_001379645.1); c.3199A>C, p.Ile1067Leu (NM_001379636.1, NM_001379639.1, NM_001379641.1 and 6 more transcripts); c.3274A>C, p.Ile1092Leu (NM_001379637.1, NM_001379648.1); c.3196A>C, p.Ile1066Leu (NM_001379640.1); short protein forms I1066L, I1067L, I1076L, I1092L, I1101L, I1151L, I1159L, I1168L.
Identifiers: ClinVar variation 2501514 (VCV002501514.1), dbSNP rs1460223242, ClinGen allele CA351316916.
Genomic context (GRCh38, chr2:240,744,024, plus strand): 5'-GCGGGAACGGGTGCTGCTGGTAGTGGCCAAAGACCTCGAAAACAATGGGCTGGCTCTTGA[T>G]GTACTCAATGAAGGACTTGGTCACCTCCACTGCGATCTGGTGGGCAGGCAGGTGGGAGGA-3'
Protein context (NP_001230937.1, residues 1158-1178): VEVTKSFIEY[Ile1168Leu]KSQPIVFEVF

ClinVar aggregate classification (germline): Uncertain significance (1 of 4 stars; one submission).

Allele frequency attached by ClinVar (database versions not stated): gnomAD exomes 0.00001.
gnomAD v4.1: 15 of 1,613,726 alleles (0.00093%); highest among the groups gnomAD compares: Non-Finnish European, 0.0013%; no homozygotes.

Submission:

GeneDx
Classification: Uncertain significance. Last evaluated: 2022-11-07. Review status: criteria provided, single submitter. Criteria: GeneDx Variant Classification Process June 2021. Collection method: clinical testing. Allele origin: germline. Affected: yes.
Comment: In silico analysis supports that this missense variant does not alter protein structure/function; Has not been previously published as pathogenic or benign to our knowledge